The following is an entry in ClinVar:

NM_175737.4(KLB):c.2749+1G>A

Gene: KLB (klotho beta; plus strand). Cytogenetic location: 4p14.
Variant type: single nucleotide variant.
Coding change: c.2749+1G>A on transcript NM_175737.4 (MANE Select); the canonical splice donor site of the intron after coding-DNA position 2749, G replaced by A.
Molecular consequence: splice donor variant.
Genome position (GRCh38, 1-based): chr4:39,447,476, G>A. VCF-style: chr4-39447476-G-A. GRCh37 (hg19) VCF-style: chr4-39449096-G-A.
Identifiers: ClinVar variation 2042167 (VCV002042167.4), dbSNP rs141020427, ClinGen allele CA2894078.
Genomic context (GRCh38, chr4:39,447,476, plus strand): 5'-TGGAGGATGACCGGCTCCGGAAGTACTACCTAGGGAAGTACCTTCAGGAGGTGCTGAAAG[G>A]TAAGGGCGGGGCCCCTTCAGACACAGGGCAGAGCGAGATTCCTGTTACCTGACAAGAACA-3'

ClinVar aggregate classification (germline): Uncertain significance (1 of 4 stars; one submission).

Allele frequency attached by ClinVar (database versions not stated): ExAC 0.00001; gnomAD exomes 0.00001; gnomAD 0.00005; ESP Exome Variant Server 0.00008; TOPMed 0.00019.

Submission:

Labcorp Genetics (formerly Invitae), Labcorp
Classification: Uncertain significance. Last evaluated: 2022-10-08. Review status: criteria provided, single submitter. Criteria: Invitae Variant Classification Sherloc (09022015). Collection method: clinical testing. Allele origin: germline.
Comment: In summary, the available evidence is currently insufficient to determine the role of this variant in disease. Therefore, it has been classified as a Variant of Uncertain Significance. Variants that disrupt the consensus splice site are a relatively common cause of aberrant splicing (PMID: 17576681, 9536098). Algorithms developed to predict the effect of sequence changes on RNA splicing suggest that this variant may disrupt the consensus splice site. This variant has not been reported in the literature in individuals affected with KLB-related conditions. This variant is present in population databases (rs141020427, gnomAD 0.007%). This sequence change falls in intron 4 of the KLB gene. It does not directly change the encoded amino acid sequence of the KLB protein. It affects a nucleotide within the consensus splice site.

Literature cited by the submitters: PubMed 17576681; PubMed 9536098.